The following is an entry in ClinVar:

ClinVar aggregate classification (germline): Uncertain significance (1 of 4 stars; one submission).

Submission:

CeGaT Center for Human Genetics Tuebingen
Classification: Uncertain significance. Last evaluated: 2026-02-01. Review status: criteria provided, single submitter. Criteria: CeGaT Center For Human Genetics Tuebingen Variant Classification Criteria Version 2. Collection method: clinical testing. Allele origin: germline. Affected: yes. Observed: 1 variant allele.
Comment: NEB: PM2

NM_001164508.2(NEB):c.5014A>G (p.Met1672Val)

Gene: NEB (nebulin; minus strand). Cytogenetic location: 2q23.3.
Variant type: single nucleotide variant.
Coding change: c.5014A>G on transcript NM_001164508.2 (MANE Select); coding-DNA position 5014, A replaced by G.
Protein change: p.Met1672Val; replaces methionine 1672 with valine.
Molecular consequence: missense variant.
Genome position (GRCh38, 1-based): chr2:151,666,107, T>C on the plus strand (A>G on the coding strand, the complement: NEB is on the minus strand). VCF-style: chr2-151666107-T-C. GRCh37 (hg19) VCF-style: chr2-152522621-T-C.
Other names: c.5014A>G, p.Met1672Val (NM_001164507.2, NM_001271208.2, NM_004543.5); short protein forms M1672V.
Identifiers: ClinVar variation 4823267 (VCV004823267.4).